The following is an entry in ClinVar:

ClinVar aggregate classification (germline): Likely pathogenic (1 of 4 stars; one submission).

Conditions:
Usher syndrome type 2A. Also called: RETINAL DISEASE IN USHER SYNDROME TYPE IIA, MODIFIER OF; USHER SYNDROME, TYPE IIA. Identifiers: Orphanet 231178, Orphanet 886, MedGen C1848634, MONDO:0010169, OMIM 276901.

Submission:

Natera, Inc.
Classification: Likely pathogenic for Usher syndrome type 2A. Last evaluated: 2025-04-16. Review status: criteria provided, single submitter. Criteria: Natera Variant Classification Schema (03/2026). Collection method: clinical testing. Allele origin: germline.
Comment: The c.12118del variant in USH2A is a frameshift variant predicted to shift the reading frame beginning at codon 4040 and leads to a stop codon 14 codons downstream. This variant is expected to result in nonsense mediated decay, truncation, or a dysfunctional protein product. This variant is rare in the general population with a frequency below the threshold expected for the associated phenotype(s). Given the available evidence, this variant is classified as Likely Pathogenic.

NM_206933.4(USH2A):c.12118del (p.Arg4040fs)

Gene: USH2A (usherin; minus strand). Cytogenetic location: 1q41.
Variant type: Deletion.
Coding change: c.12118del on transcript NM_206933.4 (MANE Select); coding-DNA position 12118, one base deleted (C; older notation c.12118delC).
Protein change: p.Arg4040fs; shifts the reading frame from arginine 4040.
Molecular consequence: frameshift variant.
Genome position (GRCh38, 1-based): chr1:215,680,325, G deleted on the plus strand (C on the coding strand, the reverse complement: USH2A is on the minus strand). VCF-style (leftmost placement, unchanged base first): chr1-215680324-CG-C. GRCh37 (hg19) VCF-style: chr1-215853666-CG-C.
Other names: short protein forms R4040fs.
Identifiers: ClinVar variation 4817081 (VCV004817081.1).